The following is an entry in ClinVar:

ClinVar aggregate classification (germline): Uncertain significance (1 of 4 stars; one submission).

Conditions:
Hereditary cancer-predisposing syndrome. Also called: Neoplastic Syndromes, Hereditary; Tumor predisposition; Hereditary neoplastic syndrome; Hereditary Cancer Syndrome. Identifiers: Orphanet 140162, MedGen C0027672, MeSH D009386, MONDO:0015356.

gnomAD v4.1: 1 of 1,614,068 alleles (0.000062%); highest among the groups gnomAD compares: Admixed American, 0.0017%; no homozygotes.

Submission:

Ambry Genetics
Classification: Uncertain significance for Hereditary cancer-predisposing syndrome. Last evaluated: 2026-07-06. Review status: criteria provided, single submitter. Criteria: Ambry Variant Classification Scheme 2023. Collection method: clinical testing. Allele origin: germline.
Comment: The p.E358Q variant (also known as c.1072G>C), located in coding exon 6 of the PDGFRA gene, results from a G to C substitution at nucleotide position 1072. The glutamic acid at codon 358 is replaced by glutamine, an amino acid with highly similar properties. This amino acid position is conserved. In addition, this alteration is predicted to be tolerated by in silico analysis. Based on the available evidence, the clinical significance of this variant remains unclear.

NM_006206.6(PDGFRA):c.1072G>C (p.Glu358Gln)

Gene: PDGFRA (platelet derived growth factor receptor alpha; plus strand). Cytogenetic location: 4q12.
Variant type: single nucleotide variant.
Coding change: c.1072G>C on transcript NM_006206.6 (MANE Select); coding-DNA position 1072, G replaced by C.
Protein change: p.Glu358Gln; replaces glutamic acid 358 with glutamine.
Molecular consequence: missense variant.
Genome position (GRCh38, 1-based): chr4:54,267,692, G>C. VCF-style: chr4-54267692-G-C. GRCh37 (hg19) VCF-style: chr4-55133859-G-C.
Other names: c.1072G>C, p.Glu358Gln (NM_001347827.2, NM_001347829.2); c.1147G>C, p.Glu383Gln (NM_001347828.2); c.1111G>C, p.Glu371Gln (NM_001347830.2); short protein forms E371Q, E358Q, E383Q.
Identifiers: ClinVar variation 5026384 (VCV005026384.1).